The following is an entry in ClinVar:

ClinVar aggregate classification (germline): Uncertain significance (1 of 4 stars; one submission).

Conditions:
Dilated cardiomyopathy 1DD (CMD1DD). Identifiers: Orphanet 154, MedGen C2750995, MONDO:0013168, OMIM 613172.

Submission:

Labcorp Genetics (formerly Invitae), Labcorp
Classification: Uncertain significance for Dilated cardiomyopathy 1DD. Last evaluated: 2019-04-15. Review status: criteria provided, single submitter. Criteria: Invitae Variant Classification Sherloc (09022015). Collection method: clinical testing. Allele origin: germline.
Comment: In summary, the available evidence is currently insufficient to determine the role of this variant in disease. Therefore, it has been classified as a Variant of Uncertain Significance. Algorithms developed to predict the effect of missense changes on protein structure and function output the following: SIFT: "Deleterious"; PolyPhen-2: "Benign"; Align-GVGD: "Class C0". The asparagine amino acid residue is found in multiple mammalian species, suggesting that this missense change does not adversely affect protein function. These predictions have not been confirmed by published functional studies and their clinical significance is uncertain. This sequence change replaces serine with asparagine at codon 977 of the RBM20 protein (p.Ser977Asn). The serine residue is highly conserved and there is a small physicochemical difference between serine and asparagine. This variant is not present in population databases (ExAC no frequency). This variant has not been reported in the literature in individuals with RBM20-related conditions.

NM_001134363.3(RBM20):c.2930G>A (p.Ser977Asn)

Gene: RBM20 (RNA binding motif protein 20; plus strand). Cytogenetic location: 10q25.2.
Variant type: single nucleotide variant.
Coding change: c.2930G>A on transcript NM_001134363.3 (MANE Select); coding-DNA position 2930, G replaced by A.
Protein change: p.Ser977Asn; replaces serine 977 with asparagine.
Molecular consequence: missense variant.
Genome position (GRCh38, 1-based): chr10:110,821,549, G>A. VCF-style: chr10-110821549-G-A. GRCh37 (hg19) VCF-style: chr10-112581307-G-A.
Other names: short protein forms S977N.
Identifiers: ClinVar variation 839333 (VCV000839333.9), dbSNP rs1844910126, ClinGen allele CA378378478.